The following is an entry in ClinVar:

NM_003072.5(SMARCA4):c.1678T>C (p.Tyr560His)

Gene: SMARCA4 (SWI/SNF related BAF chromatin remodeling complex subunit ATPase 4; plus strand). Cytogenetic location: 19p13.2.
Variant type: single nucleotide variant.
Coding change: c.1678T>C on transcript NM_003072.5 (MANE Select); coding-DNA position 1678, T replaced by C.
Protein change: p.Tyr560His; replaces tyrosine 560 with histidine.
Molecular consequence: missense variant. On other transcripts: non-coding transcript variant (1).
Genome position (GRCh38, 1-based): chr19:10,996,297, T>C. VCF-style: chr19-10996297-T-C. GRCh37 (hg19) VCF-style: chr19-11106973-T-C.
Other names: c.1678T>C, p.Tyr560His (NM_001128844.3, NM_001128845.2, NM_001128846.2 and 6 more transcripts); short protein forms Y560H.
Identifiers: ClinVar variation 2763377 (VCV002763377.3), dbSNP rs2145971715, ClinGen allele CA404064404.
Genomic context (GRCh38, chr19:10,996,297, plus strand): 5'-AAGCTCATCGACCAGAAGAAGGACAAGCGCCTGGCCTACCTCTTGCAGCAGACAGACGAG[T>C]ACGTGGCTAACCTCACGGAGCTGGTGCGGCAGCACAAGGCTGCCCAGGTCGCCAAGGAGA-3'
Protein context (NP_003063.2, residues 550-570): LAYLLQQTDE[Tyr560His]VANLTELVRQ

ClinVar aggregate classification (germline): Uncertain significance (1 of 4 stars; one submission).

Conditions:
Rhabdoid tumor predisposition syndrome 2 (RTPS2). Identifiers: Orphanet 231108, Orphanet 69077, MedGen C2750074, MONDO:0013224, OMIM 613325.

Submission:

Labcorp Genetics (formerly Invitae), Labcorp
Classification: Uncertain significance for Rhabdoid tumor predisposition syndrome 2. Last evaluated: 2023-09-26. Review status: criteria provided, single submitter. Criteria: Invitae Variant Classification Sherloc (09022015). Collection method: clinical testing. Allele origin: germline.
Comment: This variant has not been reported in the literature in individuals affected with SMARCA4-related conditions. In summary, the available evidence is currently insufficient to determine the role of this variant in disease. Therefore, it has been classified as a Variant of Uncertain Significance. Advanced modeling of protein sequence and biophysical properties (such as structural, functional, and spatial information, amino acid conservation, physicochemical variation, residue mobility, and thermodynamic stability) has been performed at Invitae for this missense variant, however the output from this modeling did not meet the statistical confidence thresholds required to predict the impact of this variant on SMARCA4 protein function. This variant is not present in population databases (gnomAD no frequency). This sequence change replaces tyrosine, which is neutral and polar, with histidine, which is basic and polar, at codon 560 of the SMARCA4 protein (p.Tyr560His).